The following is an entry in ClinVar:

NM_004183.4(BEST1):c.1144G>A (p.Glu382Lys)

Gene: BEST1 (bestrophin 1; plus strand). Cytogenetic location: 11q12.3.
Variant type: single nucleotide variant.
Coding change: c.1144G>A on transcript NM_004183.4 (MANE Select); coding-DNA position 1144, G replaced by A.
Protein change: p.Glu382Lys; replaces glutamic acid 382 with lysine.
Molecular consequence: missense variant. On other transcripts: non-coding transcript variant (1).
Genome position (GRCh38, 1-based): chr11:61,962,298, G>A. VCF-style: chr11-61962298-G-A. GRCh37 (hg19) VCF-style: chr11-61729770-G-A.
Other names: c.964G>A, p.Glu322Lys (NM_001139443.3, NM_001300787.2); c.883G>A, p.Glu295Lys (NM_001300786.2); c.826G>A, p.Glu276Lys (NM_001363591.3); c.*39G>A (NM_001363592.2); c.172G>A, p.Glu58Lys (NM_001363593.3); short protein forms E322K, E58K, E276K, E295K, E382K.
Identifiers: ClinVar variation 1939816 (VCV001939816.5), dbSNP rs547287155, ClinGen allele CA6041007.
Genomic context (GRCh38, chr11:61,962,298, plus strand): 5'-CTCCTGTTTCTTTCCAGCCTGAACAAAGAGGAGATGGAGTTCCAGCCCAATCAGGAGGAC[G>A]AGGAGGATGCTCACGCTGGCATCATTGGCCGCTTCCTAGGCCTGCAGTCCCATGATCACC-3'
Protein context (NP_004174.1, residues 372-392): EMEFQPNQED[Glu382Lys]EDAHAGIIGR

ClinVar aggregate classification (germline): Uncertain significance (1 of 4 stars; one submission).

Allele frequency attached by ClinVar (database versions not stated): TOPMed below 0.00001; ExAC 0.00001; gnomAD 0.00001; gnomAD exomes 0.00001.
gnomAD v4.1: 19 of 1,614,046 alleles (0.0012%); highest among the groups gnomAD compares: East Asian, 0.0067%; no homozygotes.

Submission:

Labcorp Genetics (formerly Invitae), Labcorp
Classification: Uncertain significance. Last evaluated: 2024-01-02. Review status: criteria provided, single submitter. Criteria: Invitae Variant Classification Sherloc (09022015). Collection method: clinical testing. Allele origin: germline.
Comment: This sequence change replaces glutamic acid, which is acidic and polar, with lysine, which is basic and polar, at codon 382 of the BEST1 protein (p.Glu382Lys). This variant is present in population databases (rs547287155, gnomAD 0.007%). This variant has not been reported in the literature in individuals affected with BEST1-related conditions. ClinVar contains an entry for this variant (Variation ID: 1939816). Algorithms developed to predict the effect of missense changes on protein structure and function output the following: SIFT: "Not Available"; PolyPhen-2: "Benign"; Align-GVGD: "Not Available". The lysine amino acid residue is found in multiple mammalian species, which suggests that this missense change does not adversely affect protein function. In summary, the available evidence is currently insufficient to determine the role of this variant in disease. Therefore, it has been classified as a Variant of Uncertain Significance.